The following is an entry in ClinVar:

ClinVar aggregate classification (germline): Uncertain significance. Review status: criteria provided, multiple submitters, no conflicts (2 of 4 stars). 2 submissions from 2 submitters: Uncertain significance (2). Last evaluated 2024-01-14.

Conditions:
Cardiovascular phenotype. Identifiers: MedGen CN230736.
DK1-congenital disorder of glycosylation. Also called: DOLK-congenital disorder of glycosylation; Carbohydrate deficient glycoprotein syndrome type 1m; DK1 DEFICIENCY; DOLICHOL KINASE DEFICIENCY; CONGENITAL DISORDER OF GLYCOSYLATION, TYPE Im; CDG Im. Identifiers: Orphanet 91131, MedGen C1835849, MONDO:0012556, OMIM 610768.

Allele frequency attached by ClinVar (database versions not stated): TOPMed below 0.00001; gnomAD exomes 0.00002.

Submissions (2):

Labcorp Genetics (formerly Invitae), Labcorp
Classification: Uncertain significance for DK1-congenital disorder of glycosylation. Last evaluated: 2024-01-14. Review status: criteria provided, single submitter. Criteria: Invitae Variant Classification Sherloc (09022015). Collection method: clinical testing. Allele origin: germline.
Comment: This sequence change replaces proline, which is neutral and non-polar, with serine, which is neutral and polar, at codon 222 of the DOLK protein (p.Pro222Ser). This variant is not present in population databases (gnomAD no frequency). This variant has not been reported in the literature in individuals affected with DOLK-related conditions. ClinVar contains an entry for this variant (Variation ID: 2268109). Advanced modeling of protein sequence and biophysical properties (such as structural, functional, and spatial information, amino acid conservation, physicochemical variation, residue mobility, and thermodynamic stability) has been performed at Invitae for this missense variant, however the output from this modeling did not meet the statistical confidence thresholds required to predict the impact of this variant on DOLK protein function. In summary, the available evidence is currently insufficient to determine the role of this variant in disease. Therefore, it has been classified as a Variant of Uncertain Significance.

Ambry Genetics
Classification: Uncertain significance for Cardiovascular phenotype. Last evaluated: 2021-12-20. Review status: criteria provided, single submitter. Criteria: Ambry Variant Classification Scheme 2023. Collection method: clinical testing. Allele origin: germline.

NM_014908.4(DOLK):c.664C>T (p.Pro222Ser)

Gene: DOLK (dolichol kinase; minus strand). Cytogenetic location: 9q34.11.
Variant type: single nucleotide variant.
Coding change: c.664C>T on transcript NM_014908.4 (MANE Select); coding-DNA position 664, C replaced by T.
Protein change: p.Pro222Ser; replaces proline 222 with serine.
Molecular consequence: missense variant.
Genome position (GRCh38, 1-based): chr9:128,946,640, G>A on the plus strand (C>T on the coding strand, the complement: DOLK is on the minus strand). VCF-style: chr9-128946640-G-A. GRCh37 (hg19) VCF-style: chr9-131708919-G-A.
Other names: short protein forms P222S.
Identifiers: ClinVar variation 2268109 (VCV002268109.5), dbSNP rs1841674630, ClinGen allele CA375123849.